The following is an entry in ClinVar:

NM_000091.5(COL4A3):c.598C>G (p.Pro200Ala)

Genes: COL4A3 (collagen type IV alpha 3 chain; plus strand), MFF-DT (MFF divergent transcript; minus strand). Cytogenetic location: 2q36.3.
Variant type: single nucleotide variant.
Coding change: c.598C>G on transcript NM_000091.5 (MANE Select); coding-DNA position 598, C replaced by G.
Protein change: p.Pro200Ala; replaces proline 200 with alanine.
Molecular consequence: missense variant.
Genome position (GRCh38, 1-based): chr2:227,251,191, C>G. VCF-style: chr2-227251191-C-G. GRCh37 (hg19) VCF-style: chr2-228115907-C-G.
Other names: short protein forms P200A.
Identifiers: ClinVar variation 4855734 (VCV004855734.1).

ClinVar aggregate classification (germline): Uncertain significance (1 of 4 stars; one submission).

Conditions:
Alport syndrome 3b, autosomal recessive. Identifiers: MedGen C5882699, MONDO:0957811, OMIM 620536.

Submission:

3billion
Classification: Uncertain significance for Alport syndrome 3b, autosomal recessive. Last evaluated: 2025-05-12. Review status: criteria provided, single submitter. Criteria: ACMG Guidelines, 2015. Collection method: clinical testing. Allele origin: germline. Affected: yes.
Comment: The variant is not observed in the gnomAD v4.1.0 dataset. Predicted Consequence/Location: Missense variant Damaging effect on gene or gene product predicted by in silico programs is uncertain [REVEL: 0.44 (damaging >=0.6, benign <0.4), 3Cnet: 0.68 (damaging >0.75, benign <0.1)]. Different missense changes at the same codon have been reported as of uncertain significance (ClinVar ID: VCV001300933). Therefore, this variant is classified as VUS according to the recommendation of ACMG/AMP guideline.